The following is an entry in ClinVar:

NM_182507.3(KRT80):c.74G>A (p.Arg25Gln)

Gene: KRT80 (keratin 80; minus strand). Cytogenetic location: 12q13.13.
Variant type: single nucleotide variant.
Coding change: c.74G>A on transcript NM_182507.3 (MANE Select); coding-DNA position 74, G replaced by A.
Protein change: p.Arg25Gln; replaces arginine 25 with glutamine.
Molecular consequence: missense variant.
Genome position (GRCh38, 1-based): chr12:52,191,829, C>T on the plus strand (G>A on the coding strand, the complement: KRT80 is on the minus strand). VCF-style: chr12-52191829-C-T. GRCh37 (hg19) VCF-style: chr12-52585613-C-T.
Other names: c.74G>A, p.Arg25Gln (NM_001081492.2); short protein forms R25Q.
Identifiers: ClinVar variation 2592047 (VCV002592047.5), dbSNP rs764464894, ClinGen allele CA6575231.

ClinVar aggregate classification (germline): Uncertain significance. Review status: criteria provided, single submitter (1 of 4 stars). 2 submissions from 2 submitters: Uncertain significance (1). 1 of the submissions does not count toward it. Last evaluated 2025-10-29.

Conditions:
KRT80-related disorder. Also called: KRT80-related condition.

Allele frequency attached by ClinVar (database versions not stated): gnomAD 0.00003; ExAC 0.00014; TOPMed 0.00006.

Submissions (2):

Ambry Genetics
Classification: Uncertain significance. Last evaluated: 2025-10-29. Review status: criteria provided, single submitter. Criteria: Ambry Variant Classification Scheme 2023. Collection method: clinical testing. Allele origin: germline.

PreventionGenetics, part of Exact Sciences
Classification: Likely benign for KRT80-related condition. Last evaluated: 2023-12-29. Review status: no assertion criteria provided. Collection method: clinical testing. Allele origin: germline. Not counted in ClinVar's aggregate classification.
Comment: This variant is classified as likely benign based on ACMG/AMP sequence variant interpretation guidelines (Richards et al. 2015 PMID: 25741868, with internal and published modifications).